The following is an entry in ClinVar:

ClinVar aggregate classification (germline): Uncertain significance (1 of 4 stars; one submission).

Submission:

Women's Health and Genetics/Laboratory Corporation of America, LabCorp
Classification: Uncertain significance. Last evaluated: 2018-11-20. Review status: criteria provided, single submitter. Criteria: LabCorp Variant Classification Summary - May 2015. Collection method: clinical testing. Allele origin: germline.
Comment: Variant summary: HBB c.316-192G>A is located at a position not widely known to affect splicing. 5/5 computational tools predict no significant impact on normal splicing. However, these predictions have yet to be confirmed by functional studies. The variant was absent in 30966 control chromosomes (gnomAD). The available data on variant occurrences in the general population are insufficient to allow any conclusion about variant significance. To our knowledge, no occurrence of c.316-192G>A in individuals affected with Hemoglobinopathy and no experimental evidence demonstrating its impact on protein function have been reported. No clinical diagnostic laboratories have submitted clinical-significance assessments for this variant to ClinVar after 2014. Based on the evidence outlined above, the variant was classified as VUS-possibly benign.

NM_000518.5(HBB):c.316-192G>A

Genes: HBB (hemoglobin subunit beta; minus strand), LOC107133510 (origin of replication at HBB; plus strand), LOC110006319 (beta-globin gene 3' regulatory region; plus strand). Cytogenetic location: 11p15.4.
Variant type: single nucleotide variant.
Coding change: c.316-192G>A on transcript NM_000518.5 (MANE Select); 192 bases into the intron before coding-DNA position 316, G replaced by A.
Molecular consequence: intron variant.
Genome position (GRCh38, 1-based): chr11:5,225,918, C>T on the plus strand (G>A on the coding strand, the complement: HBB is on the minus strand). VCF-style: chr11-5225918-C-T. GRCh37 (hg19) VCF-style: chr11-5247148-C-T.
Identifiers: ClinVar variation 632852 (VCV000632852.1), dbSNP rs1564874512, ClinGen allele CA913190232.